The following is an entry in ClinVar:

ClinVar aggregate classification (germline): Uncertain significance. Review status: criteria provided, multiple submitters, no conflicts (2 of 4 stars). 2 submissions from 2 submitters: Uncertain significance (2). Last evaluated 2025-03-23.

Conditions:
Houge-Janssens syndrome 1. Also called: Intellectual disability-macrocephaly-hypotonia-behavioral abnormalities syndrome; Hogue-Janssens syndrome 1; INTELLECTUAL DEVELOPMENTAL DISORDER, AUTOSOMAL DOMINANT 35; PPP2R5D-Related Neurodevelopmental Disorder. Identifiers: Orphanet 457279, MedGen C5779996, MONDO:0014602, OMIM 616355.

Submissions (2):

Labcorp Genetics (formerly Invitae), Labcorp
Classification: Uncertain significance. Last evaluated: 2025-03-23. Review status: criteria provided, single submitter. Criteria: Invitae Variant Classification Sherloc (09022015). Collection method: clinical testing. Allele origin: germline.
Comment: This sequence change replaces glycine, which is neutral and non-polar, with valine, which is neutral and non-polar, at codon 148 of the PPP2R5D protein (p.Gly148Val). Information on the frequency of this variant in the gnomAD database is not available, as this variant may be reported differently in the database. This variant has not been reported in the literature in individuals affected with PPP2R5D-related conditions. ClinVar contains an entry for this variant (Variation ID: 1712275). An algorithm developed to predict the effect of missense changes on protein structure and function (PolyPhen-2) suggests that this variant is likely to be tolerated. In summary, the available evidence is currently insufficient to determine the role of this variant in disease. Therefore, it has been classified as a Variant of Uncertain Significance.

UNC Molecular Genetics  Laboratory, University of North Carolina at Chapel Hill
Classification: Uncertain significance for Houge-Janssens syndrome 1. Last evaluated: 2021-08-31. Review status: criteria provided, single submitter. Criteria: ACMG Guidelines, 2015. Collection method: research. Allele origin: unknown. Observed: 1 variant allele. Study: CSER_NCGENES_2.
Comment: The PPP2R5D c.443_444delGAinsTT p.(Gly148Val) variant is predicted to result in a missense change of a single amino acid in the encoded protein from glycine to valine. To date, the majority of the previously described pathogenic PPP2R5D variants are de novo missense variants located in the conserved acidic loop domain, which is involved in PP2A-PPP2R5D holoenzyme formation (PMID 32074998, 25972378, 25533962). The PPP2R5D p.(Gly148Val) variant is located in the N-terminal region of the B56 core domain in which one other pathogenic variant has been identified (PMID 26168268). This variant is absent from gnomAD. To our knowledge, this variant has not been previously reported in affected individuals in the literature and is therefore classified as a variant of uncertain significance.

NM_006245.4(PPP2R5D):c.443_444delinsTT (p.Gly148Val)

Gene: PPP2R5D (protein phosphatase 2 regulatory subunit B'delta; plus strand). Cytogenetic location: 6p21.1.
Variant type: Indel.
Coding change: c.443_444delinsTT on transcript NM_006245.4 (MANE Select); coding-DNA positions 443 to 444, GA replaced by TT.
Protein change: p.Gly148Val; replaces glycine 148 with valine.
Molecular consequence: missense variant. On other transcripts: 5 prime UTR variant (1).
Genome position (GRCh38, 1-based): chr6:43,007,031-43,007,032, GA replaced by TT. VCF-style: chr6-43007031-GA-TT. GRCh37 (hg19) VCF-style: chr6-42974769-GA-TT.
Other names: c.-11_-10delinsTT (NM_001270476.2); c.347_348delinsTT, p.Gly116Val (NM_180976.3); c.125_126delinsTT, p.Gly42Val (NM_180977.3); short protein forms G116V, G148V, G42V.
Identifiers: ClinVar variation 1712275 (VCV001712275.2), dbSNP rs2532474072, ClinGen allele CA2497030193.